The following is an entry in ClinVar:

ClinVar aggregate classification (germline): Benign/Likely benign. Review status: criteria provided, multiple submitters, no conflicts (2 of 4 stars). 3 submissions from 3 submitters: Benign (1); Likely benign (2). Last evaluated 2025-09-08.

Conditions:
SLC9A1-related disorder. Also called: SLC9A1-related condition.

Allele frequency attached by ClinVar (database versions not stated): TOPMed 0.00019; gnomAD 0.00021 and 0.00033; gnomAD exomes 0.00040 and 0.00080; 1000 Genomes Project 30x 0.00062; 1000 Genomes Project 0.00080; ExAC 0.00093.
gnomAD v4.1: 636 of 1,607,758 alleles (0.04%); highest among the groups gnomAD compares: South Asian, 0.59%; 7 homozygotes.

Submissions (3):

Labcorp Genetics (formerly Invitae), Labcorp
Classification: Benign. Last evaluated: 2025-09-08. Review status: criteria provided, single submitter. Criteria: Invitae Variant Classification Sherloc (09022015). Collection method: clinical testing. Allele origin: germline.

PreventionGenetics, part of Exact Sciences
Classification: Likely benign for SLC9A1-related condition. Last evaluated: 2025-05-30. Review status: criteria provided, single submitter. Criteria: ACMG Guidelines, 2015. Collection method: clinical testing. Allele origin: germline.
Comment: This variant is classified as likely benign based on ACMG/AMP sequence variant interpretation guidelines (Richards et al. 2015 PMID: 25741868, with internal and published modifications).

CeGaT Center for Human Genetics Tuebingen
Classification: Likely benign. Last evaluated: 2025-05-01. Review status: criteria provided, single submitter. Criteria: CeGaT Center For Human Genetics Tuebingen Variant Classification Criteria Version 2. Collection method: clinical testing. Allele origin: germline. Affected: yes. Observed: 1 variant allele.
Comment: SLC9A1: BP4, BP7

NM_003047.5(SLC9A1):c.1773C>T (p.Ser591=)

Gene: SLC9A1 (solute carrier family 9 member A1; minus strand). Cytogenetic location: 1p36.11.
Variant type: single nucleotide variant.
Coding change: c.1773C>T on transcript NM_003047.5 (MANE Select); coding-DNA position 1773, C replaced by T.
Protein change: p.Ser591=; no amino-acid change (serine 591 retained).
Molecular consequence: synonymous variant. On other transcripts: non-coding transcript variant (1).
Genome position (GRCh38, 1-based): chr1:27,102,432, G>A on the plus strand (C>T on the coding strand, the complement: SLC9A1 is on the minus strand). VCF-style: chr1-27102432-G-A. GRCh37 (hg19) VCF-style: chr1-27428923-G-A.
Identifiers: ClinVar variation 757327 (VCV000757327.17), dbSNP rs371138291, ClinGen allele CA711003.